The following is an entry in ClinVar:

ClinVar aggregate classification (germline): Benign/Likely benign. Review status: criteria provided, multiple submitters, no conflicts (2 of 4 stars). 3 submissions from 3 submitters: Benign (1); Likely benign (2). Last evaluated 2025-04-25.

Conditions:
Hereditary cancer-predisposing syndrome. Also called: Hereditary Cancer Syndrome; Tumor predisposition; Hereditary neoplastic syndrome; Neoplastic Syndromes, Hereditary. Identifiers: Orphanet 140162, MedGen C0027672, MeSH D009386, MONDO:0015356.
Familial adenomatous polyposis 1 (FAP1). Also called: FAMILIAL ADENOMATOUS POLYPOSIS 1, ATTENUATED; POLYPOSIS, ADENOMATOUS INTESTINAL. Identifiers: MedGen C2713442, MONDO:0021056, OMIM 175100. Disease mechanism: loss of function.

Allele frequency attached by ClinVar (database versions not stated): gnomAD exomes below 0.00001; TOPMed below 0.00001; gnomAD 0.00001.
gnomAD v4.1: 3 of 1,613,874 alleles (0.00019%); highest among the groups gnomAD compares: East Asian, 0.0022%; no homozygotes.

Submissions (3):

Ambry Genetics
Classification: Likely benign for Hereditary cancer-predisposing syndrome. Last evaluated: 2025-04-25. Review status: criteria provided, single submitter. Criteria: Ambry Variant Classification Scheme 2023. Collection method: clinical testing. Allele origin: germline.

Labcorp Genetics (formerly Invitae), Labcorp
Classification: Likely benign for Familial adenomatous polyposis 1. Last evaluated: 2025-01-20. Review status: criteria provided, single submitter. Criteria: Invitae Variant Classification Sherloc (09022015). Collection method: clinical testing. Allele origin: germline.

Myriad Genetics, Inc.
Classification: Benign for Familial adenomatous polyposis 1. Last evaluated: 2024-04-11. Review status: criteria provided, single submitter. Criteria: Myriad Autosomal Dominant, Autosomal Recessive and X-Linked Classification Criteria (2023). Collection method: clinical testing. Allele origin: unknown.
Comment: This variant is considered benign. This variant is a silent/synonymous amino acid change and it is not expected to impact splicing.

NM_000038.6(APC):c.8001C>T (p.Asn2667=)

Gene: APC (APC regulator of Wnt signaling pathway; plus strand). Cytogenetic location: 5q22.2.
Variant type: single nucleotide variant.
Coding change: c.8001C>T on transcript NM_000038.6 (MANE Select); coding-DNA position 8001, C replaced by T.
Protein change: p.Asn2667=; no amino-acid change (asparagine 2667 retained).
Molecular consequence: synonymous variant. On other transcripts: non-coding transcript variant (2).
Genome position (GRCh38, 1-based): chr5:112,843,595, C>T. VCF-style: chr5-112843595-C-T. GRCh37 (hg19) VCF-style: chr5-112179292-C-T.
Other names: c.8001C>T, p.Asn2667= (NM_001127510.3, NM_001354895.2, NM_001407450.1); c.7947C>T, p.Asn2649= (NM_001127511.3); c.8055C>T, p.Asn2685= (NM_001354896.2, NM_001407447.1, NM_001407448.1 and 1 more transcripts); c.8031C>T, p.Asn2677= (NM_001354897.2); c.7926C>T, p.Asn2642= (NM_001354898.2); c.7917C>T, p.Asn2639= (NM_001354899.2); c.7878C>T, p.Asn2626= (NM_001354900.2); c.7824C>T, p.Asn2608= (NM_001354901.2, NM_001407453.1); and 12 more.
Identifiers: ClinVar variation 3254159 (VCV003254159.4), dbSNP rs1262892143.
Genomic context (GRCh38, chr5:112,843,595, plus strand): 5'-GGCACCTGCTGTTTCTAAAACAGAGGATGTTTGGGTGAGAATTGAGGACTGTCCCATTAA[C>T]AATCCTAGATCTGGAAGATCTCCCACAGGTAATACTCCCCCGGTGATTGACAGTGTTTCA-3'
Protein context (NP_000029.2, residues 2657-2677): VWVRIEDCPI[Asn2667=]NPRSGRSPTG